The following is an entry in ClinVar:

ClinVar aggregate classification (germline): Pathogenic. Review status: criteria provided, multiple submitters, no conflicts (2 of 4 stars). 2 submissions from 2 submitters: Pathogenic (2). Last evaluated 2026-04-21.

Conditions:
Hereditary cancer-predisposing syndrome. Also called: Neoplastic Syndromes, Hereditary; Tumor predisposition; Hereditary Cancer Syndrome; Hereditary neoplastic syndrome. Identifiers: Orphanet 140162, MedGen C0027672, MeSH D009386, MONDO:0015356.
Birt-Hogg-Dube syndrome. Also called: Birt Hogg Dubé syndrome. Identifiers: Orphanet 122, MedGen C0346010, MONDO:0800444.

Submissions (2):

Ambry Genetics
Classification: Pathogenic for Hereditary cancer-predisposing syndrome. Last evaluated: 2026-04-21. Review status: criteria provided, single submitter. Criteria: Ambry Variant Classification Scheme 2023. Collection method: clinical testing. Allele origin: germline.
Comment: The c.1211_1215dupCATAC pathogenic mutation, located in coding exon 8 of the FLCN gene, results from a duplication of CATAC at nucleotide position 1211, causing a translational frameshift with a predicted alternate stop codon (p.S406Hfs*64). This variant was reported in individual(s) with features consistent with Birt-Hogg-Dube syndrome (Ambry internal data). This variant is considered to be rare based on population cohorts in the Genome Aggregation Database (gnomAD). This alteration is expected to result in loss of function by premature protein truncation or nonsense-mediated mRNA decay. As such, this alteration is interpreted as a disease-causing mutation.

Labcorp Genetics (formerly Invitae), Labcorp
Classification: Pathogenic for Birt-Hogg-Dube syndrome. Last evaluated: 2025-10-26. Review status: criteria provided, single submitter. Criteria: Invitae Variant Classification Sherloc (09022015). Collection method: clinical testing. Allele origin: germline.
Comment: This sequence change creates a premature translational stop signal (p.Ser406Hisfs*64) in the FLCN gene. It is expected to result in an absent or disrupted protein product. Loss-of-function variants in FLCN are known to be pathogenic (PMID: 15852235). This variant is not present in population databases (gnomAD no frequency). This variant has not been reported in the literature in individuals affected with FLCN-related conditions. For these reasons, this variant has been classified as Pathogenic.

Literature cited by the submitters: PubMed 15852235 (cited by Labcorp Genetics (formerly Invitae), Labcorp).

NM_144997.7(FLCN):c.1211_1215dup (p.Ser406fs)

Gene: FLCN (folliculin; minus strand). Cytogenetic location: 17p11.2.
Variant type: Duplication.
Coding change: c.1211_1215dup on transcript NM_144997.7 (MANE Select); coding-DNA positions 1211 to 1215, 5 bases duplicated (CATAC; older notation c.1211_1215dupCATAC).
Protein change: p.Ser406fs; shifts the reading frame from serine 406.
Molecular consequence: frameshift variant.
Genome position (GRCh38, 1-based): chr17:17,216,465-17,216,469, GTATG duplicated on the plus strand (CATAC on the coding strand, the reverse complement: FLCN is on the minus strand); duplicating any 5 consecutive bases within chr17:17,216,465-17,216,470 gives the same sequence; the c. name uses the placement nearest the transcript's 3' end. VCF-style (leftmost placement, unchanged base first): chr17-17216464-T-TGTATG. GRCh37 (hg19) VCF-style: chr17-17119778-T-TGTATG.
Other names: c.1265_1269dup, p.Ser424fs (NM_001353229.2); c.1211_1215dup, p.Ser406fs (NM_001353230.2, NM_001353231.2); c.1211_1215dupCATAC (NM_144997.5); short protein forms S424fs, S406fs.
Identifiers: ClinVar variation 4729858 (VCV004729858.2).